The following is an entry in ClinVar:

ClinVar aggregate classification (germline): Likely pathogenic (1 of 4 stars; one submission).

Submission:

Labcorp Genetics (formerly Invitae), Labcorp
Classification: Likely pathogenic. Last evaluated: 2020-07-20. Review status: criteria provided, single submitter. Criteria: Invitae Variant Classification Sherloc (09022015). Collection method: clinical testing. Allele origin: germline.
Comment: In summary, the currently available evidence indicates that the variant is pathogenic, but additional data are needed to prove that conclusively. Therefore, this variant has been classified as Likely Pathogenic. Donor and acceptor splice site variants typically lead to a loss of protein function (PMID: 16199547), and loss-of-function variants in CDC42BPB are known to be pathogenic (PMID: 32031333). This variant has not been reported in the literature in individuals with CDC42BPB-related conditions. This variant is not present in population databases (ExAC no frequency). This sequence change affects an acceptor splice site in intron 23 of the CDC42BPB gene. It is expected to disrupt RNA splicing and likely results in an absent or disrupted protein product.

Literature cited by the submitters: PubMed 16199547; PubMed 32031333.

NM_006035.4(CDC42BPB):c.3067-2A>G

Gene: CDC42BPB (CDC42 binding protein kinase beta; minus strand). Cytogenetic location: 14q32.32.
Variant type: single nucleotide variant.
Coding change: c.3067-2A>G on transcript NM_006035.4 (MANE Select); the canonical splice acceptor site of the intron before coding-DNA position 3067, A replaced by G.
Molecular consequence: splice acceptor variant.
Genome position (GRCh38, 1-based): chr14:102,952,605, T>C on the plus strand (A>G on the coding strand, the complement: CDC42BPB is on the minus strand). VCF-style: chr14-102952605-T-C. GRCh37 (hg19) VCF-style: chr14-103418942-T-C.
Other names: c.2989-2A>G (NM_001411054.1).
Identifiers: ClinVar variation 1067660 (VCV001067660.7), dbSNP rs2139400485, ClinGen allele CA391079245.